The following is an entry in ClinVar:

ClinVar aggregate classification (germline): Pathogenic (1 of 4 stars; one submission).

Submission:

Labcorp Genetics (formerly Invitae), Labcorp
Classification: Pathogenic. Last evaluated: 2024-03-16. Review status: criteria provided, single submitter. Criteria: Invitae Variant Classification Sherloc (09022015). Collection method: clinical testing. Allele origin: germline.
Comment: This sequence change creates a premature translational stop signal (p.Gly2539Valfs*92) in the COL7A1 gene. It is expected to result in an absent or disrupted protein product. Loss-of-function variants in COL7A1 are known to be pathogenic (PMID: 16971478). This variant is not present in population databases (gnomAD no frequency). This variant has not been reported in the literature in individuals affected with COL7A1-related conditions. For these reasons, this variant has been classified as Pathogenic.

Literature cited by the submitters: PubMed 16971478.

NC_000003.12:g.48569447del

Gene: COL7A1 (collagen type VII alpha 1 chain; minus strand). Cytogenetic location: 3p21.31.
Variant type: Deletion.
Genome position: GRCh38 VCF-style: chr3-48569444-AC-A. GRCh37 (hg19) VCF-style: chr3-48606877-AC-A.
Identifiers: ClinVar variation 3646208 (VCV003646208.2).